The following is an entry in ClinVar:

NM_024334.3(TMEM43):c.760_780+2dup

Gene: TMEM43 (transmembrane protein 43; plus strand). Cytogenetic location: 3p25.1.
Variant type: Duplication.
Coding change: c.760_780+2dup on transcript NM_024334.3 (MANE Select); coding-DNA position 760 through the canonical splice donor site of the intron after coding-DNA position 780, 23 bases duplicated (GACCTGGGCCCAGCTCACGTGGT).
Molecular consequence: splice donor variant.
Genome position (GRCh38, 1-based): chr3:14,135,212-14,135,234, GACCTGGGCCCAGCTCACGTGGT duplicated; duplicating any 23 consecutive bases within chr3:14,135,211-14,135,234 gives the same sequence; the c. name uses the placement nearest the transcript's 3' end. VCF-style (leftmost placement, unchanged base first): chr3-14135210-C-CTGACCTGGGCCCAGCTCACGTGG. GRCh37 (hg19) VCF-style: chr3-14176710-C-CTGACCTGGGCCCAGCTCACGTGG.
Identifiers: ClinVar variation 1394218 (VCV001394218.7), dbSNP rs1559361931, ClinGen allele CA541296981.

ClinVar aggregate classification (germline): Uncertain significance. Review status: criteria provided, multiple submitters, no conflicts (2 of 4 stars). 3 submissions from 3 submitters: Uncertain significance (3). Last evaluated 2024-05-14.

Conditions:
Arrhythmogenic right ventricular dysplasia 5. Also called: Arrhythmogenic Right Ventricular Dysplasia/Cardiomyopathy 5; ARRHYTHMOGENIC RIGHT VENTRICULAR DYSPLASIA, FAMILIAL, 5. Identifiers: MedGen C1858379, MONDO:0011459, OMIM 604400.
Emery-Dreifuss muscular dystrophy 7, autosomal dominant (EDMD7). Also called: Emery-Dreifuss muscular dystrophy 7, AD. Identifiers: Orphanet 261, MedGen C3553060, MONDO:0013677, OMIM 614302.
Auditory neuropathy, autosomal dominant 3 (AUNA3). Identifiers: MedGen C5676964, MONDO:0859235, OMIM 619832.

Submissions (3):

All of Us Research Program, National Institutes of Health
Classification: Uncertain significance for Arrhythmogenic right ventricular dysplasia 5. Last evaluated: 2024-05-14. Review status: criteria provided, single submitter. Criteria: ACMG Guidelines, 2015. Collection method: clinical testing. Allele origin: germline. Inheritance: Autosomal dominant inheritance. Observed: 1 variant allele, 1 heterozygote.
Comment: This variant causes a duplication of the last 22 nucleotides in exon 9 and the first 2 nucleotides of intron 9 of the TMEM43 gene. Splice site prediction tools suggest that this variant may not impact RNA splicing. To our knowledge, functional studies have not been reported for this variant. This variant has not been reported in individuals affected with TMEM43-related disorders in the literature. This variant has been identified in 1/249770 chromosomes in the general population by the Genome Aggregation Database (gnomAD). The available evidence is insufficient to determine the role of this variant in disease conclusively. Therefore, this variant is classified as a Variant of Uncertain Significance.

This study involves interpretation of variants in research participants for the purpose of population health screening. Participant phenotype was not available at the time of variant classification. Additional details can be found in publication PMID: 35346344, PMCID: PMC8962531

Labcorp Genetics (formerly Invitae), Labcorp
Classification: Uncertain significance for Arrhythmogenic right ventricular dysplasia 5. Last evaluated: 2022-09-01. Review status: criteria provided, single submitter. Criteria: Invitae Variant Classification Sherloc (09022015). Collection method: clinical testing. Allele origin: germline.
Comment: This variant is present in population databases (no rsID available, gnomAD 0.003%). This sequence change falls in intron 9 of the TMEM43 gene. It does not directly change the encoded amino acid sequence of the TMEM43 protein. It affects a nucleotide within the consensus splice site. This variant has not been reported in the literature in individuals affected with TMEM43-related conditions. ClinVar contains an entry for this variant (Variation ID: 1394218). Variants that disrupt the consensus splice site are a relatively common cause of aberrant splicing (PMID: 17576681, 9536098). Algorithms developed to predict the effect of sequence changes on RNA splicing suggest that this variant is not likely to affect RNA splicing. In summary, the available evidence is currently insufficient to determine the role of this variant in disease. Therefore, it has been classified as a Variant of Uncertain Significance.

Fulgent Genetics
Classification: Uncertain significance for Arrhythmogenic right ventricular dysplasia 5; Emery-Dreifuss muscular dystrophy 7, autosomal dominant; Auditory neuropathy, autosomal dominant 3. Last evaluated: 2022-01-10. Review status: criteria provided, single submitter. Criteria: ACMG Guidelines, 2015. Collection method: clinical testing. Allele origin: unknown.

Literature cited by the submitters: PubMed 17576681 (cited by Labcorp Genetics (formerly Invitae), Labcorp); PubMed 9536098 (cited by Labcorp Genetics (formerly Invitae), Labcorp).